The following is an entry in ClinVar:

ClinVar aggregate classification (germline): Uncertain significance. Review status: criteria provided, multiple submitters, no conflicts (2 of 4 stars). 2 submissions from 2 submitters: Uncertain significance (2). Last evaluated 2023-05-18.

Conditions:
Long QT syndrome (LQTS). Identifiers: MedGen C0023976, MeSH D008133, MONDO:0002442. Disease mechanism: loss of function. Inheritance: Various modes of inheritance.

Allele frequency attached by ClinVar (database versions not stated): gnomAD exomes 0.00001; ExAC 0.00002.
gnomAD v4.1: 9 of 1,613,988 alleles (0.00056%); highest among the groups gnomAD compares: South Asian, 0.0099%; no homozygotes.

Submissions (2):

GeneDx
Classification: Uncertain significance. Last evaluated: 2023-05-18. Review status: criteria provided, single submitter. Criteria: GeneDx Variant Classification Process June 2021. Collection method: clinical testing. Allele origin: germline. Affected: yes.
Comment: Has not been previously published as pathogenic or benign to our knowledge; Not observed at significant frequency in large population cohorts (gnomAD); In silico analysis supports that this missense variant does not alter protein structure/function; Located in exon 38, which is reported as being expressed in a brain-specific transcript (Otto et al, 1991; Cunha et al, 2008; Wu et al, 2015); This variant is associated with the following publications: (PMID: 1830053, 18790697, 26109584)

Labcorp Genetics (formerly Invitae), Labcorp
Classification: Uncertain significance for Long QT syndrome. Last evaluated: 2023-04-07. Review status: criteria provided, single submitter. Criteria: Invitae Variant Classification Sherloc (09022015). Collection method: clinical testing. Allele origin: germline.
Comment: In summary, the available evidence is currently insufficient to determine the role of this variant in disease. Therefore, it has been classified as a Variant of Uncertain Significance. An algorithm developed to predict the effect of missense changes on protein structure and function (PolyPhen-2) suggests that this variant is likely to be disruptive. This variant has not been reported in the literature in individuals affected with ANK2-related conditions. This variant is present in population databases (rs753001714, gnomAD 0.01%). This sequence change replaces serine, which is neutral and polar, with asparagine, which is neutral and polar, at codon 2530 of the ANK2 protein (p.Ser2530Asn).

NM_001148.6(ANK2):c.7589G>A (p.Ser2530Asn)

Genes: ANK2 (ankyrin 2; plus strand), LOC126807137 (CDK7 strongly-dependent group 2 enhancer GRCh37_chr4:114276560-114277759; plus strand). Cytogenetic location: 4q26.
Variant type: single nucleotide variant.
Coding change: c.7589G>A on transcript NM_001148.6 (MANE Select); coding-DNA position 7589, G replaced by A.
Protein change: p.Ser2530Asn; replaces serine 2530 with asparagine.
Molecular consequence: missense variant. On other transcripts: intron variant (68).
Genome position (GRCh38, 1-based): chr4:113,356,207, G>A. VCF-style: chr4-113356207-G-A. GRCh37 (hg19) VCF-style: chr4-114277363-G-A.
Other names: c.7355G>A, p.Ser2452Asn (NM_001386142.1); c.3989G>A, p.Ser1330Asn (NM_001386166.1); c.7730G>A, p.Ser2577Asn (NM_001386174.1); c.7706G>A, p.Ser2569Asn (NM_001386175.1); c.4412-4616G>A (NM_001386186.2, NM_001386148.2); c.4214-4616G>A (NM_001354269.3); c.4292-4616G>A (NM_001386187.2); c.4253-4616G>A (NM_001386147.1); and 35 more; short protein forms S1330N, S2452N, S2530N, S2569N, S2577N.
Identifiers: ClinVar variation 2662618 (VCV002662618.4), dbSNP rs753001714, ClinGen allele CA3051622.